The following is an entry in ClinVar:

NM_001165963.4(SCN1A):c.1719C>A (p.Ser573Arg)

Gene: SCN1A (sodium voltage-gated channel alpha subunit 1; minus strand). Cytogenetic location: 2q24.3.
Variant type: single nucleotide variant.
Coding change: c.1719C>A on transcript NM_001165963.4 (MANE Select); coding-DNA position 1719, C replaced by A.
Protein change: p.Ser573Arg; replaces serine 573 with arginine.
Molecular consequence: missense variant. On other transcripts: 5 prime UTR variant (1), non-coding transcript variant (1).
Genome position (GRCh38, 1-based): chr2:166,043,993, G>T on the plus strand (C>A on the coding strand, the complement: SCN1A is on the minus strand). VCF-style: chr2-166043993-G-T. GRCh37 (hg19) VCF-style: chr2-166900503-G-T.
Other names: c.1719C>A, p.Ser573Arg (NM_001165964.3, NM_001202435.3, NM_001353948.2 and 7 more transcripts); c.1716C>A, p.Ser572Arg (NM_001353954.2, NM_001353955.2, NM_001353960.2); c.-707C>A (NM_001353961.2); c.1719C>A (NM_001165963.1); short protein forms S573R, S572R.
Identifiers: ClinVar variation 1926018 (VCV001926018.7), dbSNP rs748767737, ClinGen allele CA349067952.
Genomic context (GRCh38, chr2:166,043,993, plus strand): 5'-ATCATCTGCGAAGTCGTTCTCAGATCCCACATCCTTTGCTCGCCCTCTAAAGCTGAAAAG[G>T]CTTGTTCTGCTATTTCGCCTTGGTGAAAATAGGGAGCCACGGATGCTCAACAAAGACTAG-3'
Protein context (NP_001159435.1, residues 563-583): LFSPRRNSRT[Ser573Arg]LFSFRGRAKD

ClinVar aggregate classification (germline): Pathogenic/Likely pathogenic. Review status: criteria provided, multiple submitters, no conflicts (2 of 4 stars). 2 submissions from 2 submitters: Pathogenic (1); Likely pathogenic (1). Last evaluated 2026-01-15.

Conditions:
Early-infantile DEE. Also called: Early infantile epileptic encephalopathy; Ohtahara syndrome; Early infantile epileptic encephalopathy with suppression bursts. Identifiers: Orphanet 1934, MedGen C0393706, MONDO:0800491.

gnomAD v4.1: 1 of 1,614,162 alleles (0.000062%); highest among the groups gnomAD compares: Non-Finnish European, 0.000085%; no homozygotes.

Submissions (2):

GeneDx
Classification: Likely pathogenic. Last evaluated: 2026-01-15. Review status: criteria provided, single submitter. Criteria: GeneDx Variant Classification Process June 2021. Collection method: clinical testing. Allele origin: germline.
Comment: Not observed at significant frequency in large population cohorts (gnomAD); In silico analysis supports that this missense variant has a deleterious effect on protein structure/function; This substitution is predicted to be within the cytoplasmic loop between the first and second homologous domains; This variant is associated with the following publications: (PMID: 35074891, 33895391, 37209046, 38174099)

Labcorp Genetics (formerly Invitae), Labcorp
Classification: Pathogenic for Early-infantile DEE. Last evaluated: 2025-04-24. Review status: criteria provided, single submitter. Criteria: Invitae Variant Classification Sherloc (09022015). Collection method: clinical testing. Allele origin: germline.
Comment: This sequence change replaces serine, which is neutral and polar, with arginine, which is basic and polar, at codon 573 of the SCN1A protein (p.Ser573Arg). This variant is not present in population databases (gnomAD no frequency). This missense change has been observed in individuals with SCN1A-related conditions (PMID: 33895391, 35074891). ClinVar contains an entry for this variant (Variation ID: 1926018). Invitae Evidence Modeling of protein sequence and biophysical properties (such as structural, functional, and spatial information, amino acid conservation, physicochemical variation, residue mobility, and thermodynamic stability) indicates that this missense variant is expected to disrupt SCN1A protein function with a positive predictive value of 95%. For these reasons, this variant has been classified as Pathogenic.

Literature cited by the submitters: PubMed 33895391 (cited by Labcorp Genetics (formerly Invitae), Labcorp); PubMed 35074891 (cited by Labcorp Genetics (formerly Invitae), Labcorp).